The following is an entry in ClinVar:

ClinVar aggregate classification (germline): Uncertain significance. Review status: criteria provided, multiple submitters, no conflicts (2 of 4 stars). 3 submissions from 3 submitters: Uncertain significance (3). Last evaluated 2024-07-24.

Conditions:
Ataxia-telangiectasia-like disorder (ATLD). Identifiers: MedGen C1858391, MONDO:0011457.
Hereditary cancer-predisposing syndrome. Also called: Hereditary neoplastic syndrome; Hereditary Cancer Syndrome; Neoplastic Syndromes, Hereditary; Tumor predisposition. Identifiers: Orphanet 140162, MedGen C0027672, MeSH D009386, MONDO:0015356.

Allele frequency attached by ClinVar (database versions not stated): gnomAD exomes below 0.00001 and 0.00001.

Submissions (3):

Ambry Genetics
Classification: Uncertain significance for Hereditary cancer-predisposing syndrome. Last evaluated: 2024-07-24. Review status: criteria provided, single submitter. Criteria: Ambry Variant Classification Scheme 2023. Collection method: clinical testing. Allele origin: germline.
Comment: The c.52_54delGCA variant (also known as p.A18del) is located in coding exon 2 of the MRE11A gene. This variant results from an in-frame deletion of 3 nucleotides between positions 52 and 54. This results in the deletion of an alanine residue at codon 18. This amino acid position is highly conserved in available vertebrate species. In addition, this alteration is predicted to be deleterious by in silico analysis (Choi Y et al. PLoS ONE. 2012; 7(10):e46688). Based on the available evidence, the clinical significance of this variant remains unclear.

Women's Health and Genetics/Laboratory Corporation of America, LabCorp
Classification: Uncertain significance. Last evaluated: 2023-07-17. Review status: criteria provided, single submitter. Criteria: LabCorp Variant Classification Summary - May 2015. Collection method: clinical testing. Allele origin: germline.
Comment: Variant summary: MRE11 c.52_54delGCA (p.Ala18del) results in an in-frame deletion that is predicted to remove one amino acid from the encoded protein. The variant allele was found at a frequency of 4e-06 in 250624 control chromosomes. The available data on variant occurrences in the general population are insufficient to allow any conclusion about variant significance. To our knowledge, no occurrence of c.52_54delGCA in individuals affected with Ataxia Telangiectasia-Like Disorder and no experimental evidence demonstrating its impact on protein function have been reported. Two submitters have cited clinical-significance assessments for this variant to ClinVar after 2014. All submitters classified the variant as uncertain significance. Based on the evidence outlined above, the variant was classified as uncertain significance.

Labcorp Genetics (formerly Invitae), Labcorp
Classification: Uncertain significance for Ataxia-telangiectasia-like disorder. Last evaluated: 2022-03-29. Review status: criteria provided, single submitter. Criteria: Invitae Variant Classification Sherloc (09022015). Collection method: clinical testing. Allele origin: germline.
Comment: In summary, the available evidence is currently insufficient to determine the role of this variant in disease. Therefore, it has been classified as a Variant of Uncertain Significance. Algorithms developed to predict the effect of sequence changes on RNA splicing suggest that this variant may create or strengthen a splice site. Experimental studies and prediction algorithms are not available or were not evaluated, and the functional significance of this variant is currently unknown. ClinVar contains an entry for this variant (Variation ID: 229819). This variant has not been reported in the literature in individuals affected with MRE11-related conditions. This variant is present in population databases (no rsID available, gnomAD 0.0009%). This variant, c.52_54del, results in the deletion of 1 amino acid(s) of the MRE11 protein (p.Ala18del), but otherwise preserves the integrity of the reading frame.

NM_005591.4(MRE11):c.52_54del (p.Ala18del)

Gene: MRE11 (MRE11 double strand break repair nuclease; minus strand). Cytogenetic location: 11q21.
Variant type: Deletion.
Coding change: c.52_54del on transcript NM_005591.4 (MANE Select); coding-DNA positions 52 to 54, 3 bases deleted (GCA; older notation c.52_54delGCA).
Protein change: p.Ala18del; deletes alanine 18.
Molecular consequence: inframe deletion.
Genome position (GRCh38, 1-based): chr11:94,490,932-94,490,934, TGC deleted on the plus strand (GCA on the coding strand, the reverse complement: MRE11 is on the minus strand). VCF-style (leftmost placement, unchanged base first): chr11-94490931-TTGC-T. GRCh37 (hg19) VCF-style: chr11-94224097-TTGC-T.
Other names: c.52_54del, p.Ala18del (NM_001330347.2, NM_005590.4); c.52_54delGCA (NM_005591.3); short protein forms A18del.
Identifiers: ClinVar variation 229819 (VCV000229819.14), dbSNP rs876658216, ClinGen allele CA10579426.